The following is an entry in ClinVar:

NC_000001.10:g.(?_193172925)_(193223945_?)dup

Genes: CDC73 (cell division cycle 73; plus strand), LOC129932147 (ATAC-STARR-seq lymphoblastoid active region 2269; plus strand). Cytogenetic location: 1q31.2.
Variant type: Duplication.
Identifiers: ClinVar variation 417321 (VCV000417321.1).

ClinVar aggregate classification (germline): Uncertain significance (1 of 4 stars; one submission).

Conditions:
Parathyroid carcinoma (PRTC). Also called: Parathyroid gland carcinoma; CDC73-Related Parathyroid Carcinoma. Identifiers: Orphanet 143, MedGen C0687150, MONDO:0012004, OMIM 608266, HP:0006780.

Submission:

Labcorp Genetics (formerly Invitae), Labcorp
Classification: Uncertain significance for Parathyroid carcinoma. Last evaluated: 2016-09-05. Review status: criteria provided, single submitter. Criteria: Invitae Variant Classification Sherloc (09022015). Collection method: clinical testing. Allele origin: germline.
Comment: This variant is a gross duplication of the genomic region encompassing exons 11-17 of the CDC73 gene. The 5' boundary is likely confined to intron 10. The 3' end of this event is unknown as it extends beyond the assayed region for this gene and therefore may encompass additional genes. This duplication has not been reported in the literature in individuals with a CDC73-related disease. In summary, this is a sub-genic duplication with unknown impact on protein function. It has been classified as a Variant of Uncertain Significance.